The following is an entry in ClinVar:

ClinVar aggregate classification (germline): Uncertain significance. Review status: criteria provided, multiple submitters, no conflicts (2 of 4 stars). 4 submissions from 4 submitters: Uncertain significance (4). Last evaluated 2025-06-14.

Conditions:
Developmental and epileptic encephalopathy, 1 (DEE1). Also called: X-linked infantile spasms; West's syndrome; Tonic spasms with clustering, arrest of psychomotor development and hypsarrhythmia on EEG; X-Linked Infantile Spasm Syndrome; OHTAHARA SYNDROME, X-LINKED; Epileptic encephalopathy, early infantile, 1. Identifiers: MedGen C3463992, MONDO:0010632, OMIM 308350. Disease mechanism: loss of function.
Developmental and epileptic encephalopathy, 53. Also called: Epileptic encephalopathy, early infantile, 53. Identifiers: MedGen C4479313, MONDO:0033362, OMIM 617389.
Early-onset Parkinson disease 20. Also called: PARKINSON DISEASE 20, AUTOSOMAL RECESSIVE EARLY-ONSET. Identifiers: Orphanet 391411, MedGen C3809824, MONDO:0014233, OMIM 615530.
Inborn genetic diseases. Identifiers: MedGen C0950123, MeSH D030342.

Allele frequency attached by ClinVar (database versions not stated): ExAC 0.00003; gnomAD exomes 0.00004; gnomAD 0.00005; TOPMed 0.00008; 1000 Genomes Project 30x 0.00016; 1000 Genomes Project 0.00020.
gnomAD v4.1: 27 of 1,613,438 alleles (0.0017%); highest among the groups gnomAD compares: African/African-American, 0.016%; no homozygotes.

Submissions (4):

Labcorp Genetics (formerly Invitae), Labcorp
Classification: Uncertain significance for Developmental and epileptic encephalopathy, 53; Early-onset Parkinson disease 20. Last evaluated: 2025-06-14. Review status: criteria provided, single submitter. Criteria: Invitae Variant Classification Sherloc (09022015). Collection method: clinical testing. Allele origin: germline.
Comment: This sequence change replaces asparagine, which is neutral and polar, with lysine, which is basic and polar, at codon 789 of the SYNJ1 protein (p.Asn789Lys). This variant is present in population databases (rs570501803, gnomAD 0.03%). This variant has not been reported in the literature in individuals affected with SYNJ1-related conditions. ClinVar contains an entry for this variant (Variation ID: 653769). Invitae Evidence Modeling of protein sequence and biophysical properties (such as structural, functional, and spatial information, amino acid conservation, physicochemical variation, residue mobility, and thermodynamic stability) indicates that this missense variant is not expected to disrupt SYNJ1 protein function with a negative predictive value of 80%. In summary, the available evidence is currently insufficient to determine the role of this variant in disease. Therefore, it has been classified as a Variant of Uncertain Significance.

ARUP Laboratories, Molecular Genetics and Genomics, ARUP Laboratories
Classification: Uncertain significance. Last evaluated: 2024-06-06. Review status: criteria provided, single submitter. Criteria: ARUP Molecular Germline Variant Investigation Process 2024. Collection method: clinical testing. Allele origin: germline.

GeneDx
Classification: Uncertain significance. Last evaluated: 2024-02-14. Review status: criteria provided, single submitter. Criteria: GeneDx Variant Classification Process June 2021. Collection method: clinical testing. Allele origin: germline. Affected: yes.
Comment: In silico analysis supports that this missense variant has a deleterious effect on protein structure/function; Has not been previously published as pathogenic or benign to our knowledge

Ambry Genetics
Classification: Uncertain significance for Inborn genetic diseases. Last evaluated: 2021-11-16. Review status: criteria provided, single submitter. Criteria: Ambry Variant Classification Scheme 2023. Collection method: clinical testing. Allele origin: germline.

NM_203446.3(SYNJ1):c.2250T>A (p.Asn750Lys)

Gene: SYNJ1 (synaptojanin 1; minus strand). Cytogenetic location: 21q22.11.
Variant type: single nucleotide variant.
Coding change: c.2250T>A on transcript NM_203446.3 (MANE Select); coding-DNA position 2250, T replaced by A.
Protein change: p.Asn750Lys; replaces asparagine 750 with lysine.
Molecular consequence: missense variant.
Genome position (GRCh38, 1-based): chr21:32,664,967, A>T on the plus strand (T>A on the coding strand, the complement: SYNJ1 is on the minus strand). VCF-style: chr21-32664967-A-T. GRCh37 (hg19) VCF-style: chr21-34037277-A-T.
Other names: c.2250T>A, p.Asn750Lys (NM_001160302.2); c.2235T>A, p.Asn745Lys (NM_001160306.2); c.2367T>A, p.Asn789Lys (NM_003895.4); short protein forms N745K, N750K, N789K.
Identifiers: ClinVar variation 653769 (VCV000653769.15), dbSNP rs570501803, ClinGen allele CA10003706.